The following is an entry in ClinVar:

NM_000548.5(TSC2):c.2853A>C (p.Arg951Ser)

Gene: TSC2 (TSC complex subunit 2; plus strand). Cytogenetic location: 16p13.3.
Variant type: single nucleotide variant.
Coding change: c.2853A>C on transcript NM_000548.5 (MANE Select); coding-DNA position 2853, A replaced by C.
Protein change: p.Arg951Ser; replaces arginine 951 with serine.
Molecular consequence: missense variant. On other transcripts: intron variant (9).
Genome position (GRCh38, 1-based): chr16:2,077,613, A>C. VCF-style: chr16-2077613-A-C. GRCh37 (hg19) VCF-style: chr16-2127614-A-C.
Other names: c.2853A>C, p.Arg951Ser (NM_001114382.3); c.2837+1028A>C (NM_021055.3, NM_001370405.1, NM_001363528.2 and 2 more transcripts); c.2726+1028A>C (NM_001318827.2); c.2237+1028A>C (NM_001318831.2); c.2690+1028A>C (NM_001318829.2); c.2870+1028A>C (NM_001318832.2); short protein forms R951S.
Identifiers: ClinVar variation 1472621 (VCV001472621.8), dbSNP rs45517273, ClinGen allele CA394280798.

ClinVar aggregate classification (germline): Uncertain significance (1 of 4 stars; one submission).

Conditions:
Tuberous sclerosis 2 (TSC2). Identifiers: Orphanet 805, MedGen C1860707, MONDO:0013199, OMIM 613254.

gnomAD v4.1: 1 of 1,612,790 alleles (0.000062%); no homozygotes.

Submission:

Labcorp Genetics (formerly Invitae), Labcorp
Classification: Uncertain significance for Tuberous sclerosis 2. Last evaluated: 2022-08-16. Review status: criteria provided, single submitter. Criteria: Invitae Variant Classification Sherloc (09022015). Collection method: clinical testing. Allele origin: germline.
Comment: Experimental studies have shown that this missense change does not substantially affect TSC2 function (PMID: 21309039). Advanced modeling of protein sequence and biophysical properties (such as structural, functional, and spatial information, amino acid conservation, physicochemical variation, residue mobility, and thermodynamic stability) performed at Invitae indicates that this missense variant is not expected to disrupt TSC2 protein function. ClinVar contains an entry for this variant (Variation ID: 1472621). This variant has not been reported in the literature in individuals affected with TSC2-related conditions. This variant is not present in population databases (gnomAD no frequency). This sequence change replaces arginine, which is basic and polar, with serine, which is neutral and polar, at codon 951 of the TSC2 protein (p.Arg951Ser). In summary, the available evidence is currently insufficient to determine the role of this variant in disease. Therefore, it has been classified as a Variant of Uncertain Significance.

Literature cited by the submitters: PubMed 21309039.